The following is an entry in ClinVar:

NM_015404.4(WHRN):c.2701A>C (p.Thr901Pro)

Gene: WHRN (whirlin; minus strand). Cytogenetic location: 9q32.
Variant type: single nucleotide variant.
Coding change: c.2701A>C on transcript NM_015404.4 (MANE Select); coding-DNA position 2701, A replaced by C.
Protein change: p.Thr901Pro; replaces threonine 901 with proline.
Molecular consequence: missense variant.
Genome position (GRCh38, 1-based): chr9:114,402,777, T>G on the plus strand (A>C on the coding strand, the complement: WHRN is on the minus strand). VCF-style: chr9-114402777-T-G. GRCh37 (hg19) VCF-style: chr9-117165057-T-G.
Other names: c.1552A>C, p.Thr518Pro (NM_001083885.3); c.2698A>C, p.Thr900Pro (NM_001173425.2); c.1648A>C, p.Thr550Pro (NM_001346890.1); short protein forms T518P, T550P, T900P, T901P.
Identifiers: ClinVar variation 1723548 (VCV001723548.2), dbSNP rs2491480810, ClinGen allele CA374618775.

ClinVar aggregate classification (germline): Uncertain significance (1 of 4 stars; one submission).

Submission:

GeneDx
Classification: Uncertain significance. Last evaluated: 2022-05-13. Review status: criteria provided, single submitter. Criteria: GeneDx Variant Classification Process June 2021. Collection method: clinical testing. Allele origin: germline. Affected: yes.
Comment: Not observed at significant frequency in large population cohorts (gnomAD); In silico analysis supports that this missense variant does not alter protein structure/function; Has not been previously published as pathogenic or benign to our knowledge